The following is an entry in ClinVar:

NM_020765.3(UBR4):c.7629+7G>T

Gene: UBR4 (ubiquitin protein ligase E3 component n-recognin 4; minus strand). Cytogenetic location: 1p36.13.
Variant type: single nucleotide variant.
Coding change: c.7629+7G>T on transcript NM_020765.3 (MANE Select); 7 bases into the intron after coding-DNA position 7629, G replaced by T.
Molecular consequence: intron variant.
Genome position (GRCh38, 1-based): chr1:19,147,986, C>A on the plus strand (G>T on the coding strand, the complement: UBR4 is on the minus strand). VCF-style: chr1-19147986-C-A. GRCh37 (hg19) VCF-style: chr1-19474480-C-A.
Identifiers: ClinVar variation 735066 (VCV000735066.29), dbSNP rs112082204, ClinGen allele CA649982.
Genomic context (GRCh38, chr1:19,147,986, plus strand): 5'-AATGAAAAGCTAACTTATTTGATTCCCTGTCAGCACTGCAATTTCCTTTCCCTGAGAGAA[C>A]AGTTACCTTGTGGCTGTGGTAGGCCGAGCGGCTGGTGTGCAGGCTGGCCAGAAGGCTCTT-3'

ClinVar aggregate classification (germline): Benign. Review status: criteria provided, multiple submitters, no conflicts (2 of 4 stars). 3 submissions from 3 submitters: Benign (2). 1 of the submissions does not count toward it. Last evaluated 2022-05-01.

Conditions:
UBR4-related disorder. Also called: UBR4-related condition.

Allele frequency attached by ClinVar (database versions not stated): gnomAD 0.00003; TOPMed 0.00017; ESP Exome Variant Server 0.00046; 1000 Genomes Project 30x 0.00265; 1000 Genomes Project 0.00280.
gnomAD v4.1: 833 of 1,611,100 alleles (0.052%); highest among the groups gnomAD compares: South Asian, 0.68%; 16 homozygotes.

Submissions (3):

CeGaT Center for Human Genetics Tuebingen
Classification: Benign. Last evaluated: 2022-05-01. Review status: criteria provided, single submitter. Criteria: CeGaT Center For Human Genetics Tuebingen Variant Classification Criteria Version 2. Collection method: clinical testing. Allele origin: germline. Affected: yes. Observed: 1 variant allele.
Comment: UBR4: BS1, BS2

Labcorp Genetics (formerly Invitae), Labcorp
Classification: Benign. Last evaluated: 2019-12-31. Review status: criteria provided, single submitter. Criteria: Invitae Variant Classification Sherloc (09022015). Collection method: clinical testing. Allele origin: germline.

PreventionGenetics, part of Exact Sciences
Classification: Likely benign for UBR4-related condition. Last evaluated: 2019-02-22. Review status: no assertion criteria provided. Collection method: clinical testing. Allele origin: germline. Not counted in ClinVar's aggregate classification.
Comment: This variant is classified as likely benign based on ACMG/AMP sequence variant interpretation guidelines (Richards et al. 2015 PMID: 25741868, with internal and published modifications).